The following is an entry in ClinVar:

NM_000751.3(CHRND):c.1204G>A (p.Glu402Lys)

Gene: CHRND (cholinergic receptor nicotinic delta subunit; plus strand). Cytogenetic location: 2q37.1.
Variant type: single nucleotide variant.
Coding change: c.1204G>A on transcript NM_000751.3 (MANE Select); coding-DNA position 1204, G replaced by A.
Protein change: p.Glu402Lys; replaces glutamic acid 402 with lysine.
Molecular consequence: missense variant.
Genome position (GRCh38, 1-based): chr2:232,534,087, G>A. VCF-style: chr2-232534087-G-A. GRCh37 (hg19) VCF-style: chr2-233398797-G-A.
Other names: E381K; NM_000751.3(CHRND):c.1204G>A; c.1159G>A, p.Glu387Lys (NM_001256657.2); c.622G>A, p.Glu208Lys (NM_001311195.2); c.901G>A, p.Glu301Lys (NM_001311196.2); short protein forms E402K, E208K, E387K, E301K.
Identifiers: ClinVar variation 189817 (VCV000189817.14), dbSNP rs145955590, ClinGen allele CA2168289.

ClinVar aggregate classification (germline): Conflicting classifications of pathogenicity. Review status: criteria provided, conflicting classifications (1 of 4 stars). 5 submissions from 5 submitters: Likely pathogenic (2); Uncertain significance (2). 1 of the submissions does not count toward it. Last evaluated 2025-09-15.

Conditions:
Congenital myasthenic syndrome 3B (CMS3B). Also called: Myasthenic syndrome, congenital, 3B, fast-channel. Identifiers: Orphanet 590, MedGen C4225371, MONDO:0014584, OMIM 616322.
Congenital myasthenic syndrome 3C. Also called: Myasthenic syndrome, congenital, 3c, associated with acetylcholine receptor deficiency. Identifiers: Orphanet 590, MedGen C4225370, MONDO:0014585, OMIM 616323.
Lethal multiple pterygium syndrome (LMPS). Identifiers: Orphanet 33108, MedGen C1854678, MONDO:0009668, OMIM 253290.

Allele frequency attached by ClinVar (database versions not stated): TOPMed 0.00004; gnomAD exomes 0.00002; gnomAD 0.00003 and 0.00004; ESP Exome Variant Server 0.00008.
gnomAD v4.1: 30 of 1,613,998 alleles (0.0019%); highest among the groups gnomAD compares: South Asian, 0.012%; no homozygotes.

Submissions (5):

Labcorp Genetics (formerly Invitae), Labcorp
Classification: Uncertain significance for Lethal multiple pterygium syndrome. Last evaluated: 2025-09-15. Review status: criteria provided, single submitter. Criteria: Invitae Variant Classification Sherloc (09022015). Collection method: clinical testing. Allele origin: germline.
Comment: This sequence change replaces glutamic acid, which is acidic and polar, with lysine, which is basic and polar, at codon 402 of the CHRND protein (p.Glu402Lys). This variant is present in population databases (rs145955590, gnomAD 0.01%). This missense change has been observed in individual(s) with autosomal recessive congenital myasthenic syndrome (PMID: 16916845, 37721175). In at least one individual the data is consistent with being in trans (on the opposite chromosome) from a pathogenic variant. This variant is also known as 1141G>A (E381K). ClinVar contains an entry for this variant (Variation ID: 189817). Invitae Evidence Modeling of protein sequence and biophysical properties (such as structural, functional, and spatial information, amino acid conservation, physicochemical variation, residue mobility, and thermodynamic stability) has been performed for this missense variant. However, the output from this modeling did not meet the statistical confidence thresholds required to predict the impact of this variant on CHRND protein function. Experimental studies have shown that this missense change affects CHRND function (PMID: 16916845). In summary, the available evidence is currently insufficient to determine the role of this variant in disease. Therefore, it has been classified as a Variant of Uncertain Significance.

Variantyx, Inc.
Classification: Likely pathogenic for Congenital myasthenic syndrome 3B. Last evaluated: 2025-05-09. Review status: criteria provided, single submitter. Criteria: Variantyx Assertion Criteria 2022. Collection method: clinical testing. Allele origin: germline. Inheritance: Autosomal recessive inheritance. Affected: no.
Comment: This is a nonsynonymous variant in the CHRND gene (OMIM: 100720). Pathogenic variants in this gene have been associated with autosomal recessive fast-channel congenital myasthenic syndrome-3B. This variant has been identified in the homozygous or compound heterozygous state at least in 2 individuals reported in the published literature (PMID: 16916845, 37721175). Functional studies have shown that this variant alters CHRND protein function (PMID: 16916845) (PS3), and multiple computational algorithms predict a deleterious effect for this variant (REVEL score: 0.738) (PP3). This variant has a 0.0121% maximum allele frequency in non-founder control populations (PM2). Based on the current evidence, this variant is classified as likely pathogenic for autosomal recessive fast-channel congenital myasthenic syndrome-3B.

GeneDx
Classification: Likely pathogenic. Last evaluated: 2025-03-18. Review status: criteria provided, single submitter. Criteria: GeneDx Variant Classification Process June 2021. Collection method: clinical testing. Allele origin: germline. Affected: yes.
Comment: Published functional studies demonstrate a damaging effect, as E381K has significantly reduced co-cluster formation with rapsyn than wild type (PMID: 16916845); Also known as E381K; In silico analysis indicates that this missense variant does not alter protein structure/function; This variant is associated with the following publications: (PMID: 16916845, 37721175)

Broad Center for Mendelian Genomics, Broad Institute of MIT and Harvard
Classification: Uncertain significance for Congenital myasthenic syndrome 3B. Last evaluated: 2022-05-04. Review status: criteria provided, single submitter. Criteria: ACMG Guidelines, 2015. Collection method: curation. Allele origin: germline. Inheritance: Autosomal recessive inheritance.
Comment: Although this variant has been seen in the general population, its frequency is not high enough to rule out a pathogenic role. This variant has also been reported in ClinVar (Variation ID: 189817) as pathogenic by OMIM. In vitro functional studies provide some evidence that the p.Glu402Lys variant may slightly impact protein function (PMID: 16916845). However, these types of assays may not accurately represent biological function. Computational prediction tools and conservation analyses suggest that this variant may impact the protein, though this information is not predictive enough to determine pathogenicity. In summary, while there is some suspicion for a pathogenic role, the clinical significance of this variant is uncertain. ACMG/AMP Criteria applied: PP3, PM3_supporting, PS3_supporting (Richards 2015).

OMIM
Classification: Pathogenic for MYASTHENIC SYNDROME, CONGENITAL, 3C, ASSOCIATED WITH ACETYLCHOLINE RECEPTOR DEFICIENCY (1 family). Last evaluated: 2006-10-01. Review status: no assertion criteria provided. Collection method: literature only. Allele origin: germline. Not counted in ClinVar's aggregate classification.

Literature cited by the submitters: PubMed 16916845 (cited by 4 submitters); PubMed 37721175 (cited by Labcorp Genetics (formerly Invitae), Labcorp and Variantyx, Inc.).